The following is an entry in ClinVar:

NM_000334.4(SCN4A):c.3799G>A (p.Val1267Met)

Genes: GH-LCR (growth hormone locus control region; plus strand), SCN4A (sodium voltage-gated channel alpha subunit 4; minus strand). Cytogenetic location: 17q23.3.
Variant type: single nucleotide variant.
Coding change: c.3799G>A on transcript NM_000334.4 (MANE Select); coding-DNA position 3799, G replaced by A.
Protein change: p.Val1267Met; replaces valine 1267 with methionine.
Molecular consequence: missense variant.
Genome position (GRCh38, 1-based): chr17:63,944,786, C>T on the plus strand (G>A on the coding strand, the complement: SCN4A is on the minus strand). VCF-style: chr17-63944786-C-T. GRCh37 (hg19) VCF-style: chr17-62022146-C-T.
Other names: short protein forms V1267M.
Identifiers: ClinVar variation 2043965 (VCV002043965.4), dbSNP rs2509289227, ClinGen allele CA400617465.

ClinVar aggregate classification (germline): Uncertain significance (1 of 4 stars; one submission).

Conditions:
Hyperkalemic periodic paralysis. Also called: Familial hyperkalemic periodic paralysis; Gamstorp disease. Identifiers: Orphanet 682, MedGen C0238357, MONDO:0008224, OMIM 170500, HP:0007215.

Submission:

Labcorp Genetics (formerly Invitae), Labcorp
Classification: Uncertain significance for Hyperkalemic periodic paralysis. Last evaluated: 2024-12-02. Review status: criteria provided, single submitter. Criteria: Invitae Variant Classification Sherloc (09022015). Collection method: clinical testing. Allele origin: germline.
Comment: This sequence change replaces valine, which is neutral and non-polar, with methionine, which is neutral and non-polar, at codon 1267 of the SCN4A protein (p.Val1267Met). This variant is not present in population databases (gnomAD no frequency). This variant has not been reported in the literature in individuals affected with SCN4A-related conditions. ClinVar contains an entry for this variant (Variation ID: 2043965). Invitae Evidence Modeling of protein sequence and biophysical properties (such as structural, functional, and spatial information, amino acid conservation, physicochemical variation, residue mobility, and thermodynamic stability) indicates that this missense variant is not expected to disrupt SCN4A protein function with a negative predictive value of 95%. In summary, the available evidence is currently insufficient to determine the role of this variant in disease. Therefore, it has been classified as a Variant of Uncertain Significance.